The following is an entry in ClinVar:

NM_001378120.1(MBD5):c.5071_5073dup (p.Ile1691_His1692insIle)

Gene: MBD5 (methyl-CpG binding domain protein 5; plus strand). Cytogenetic location: 2q23.1.
Variant type: Duplication.
Coding change: c.5071_5073dup on transcript NM_001378120.1 (MANE Select); coding-DNA positions 5071 to 5073, 3 bases duplicated (ATT; older notation c.5071_5073dupATT).
Protein change: p.Ile1691_His1692insIle.
Molecular consequence: inframe insertion.
Genome position (GRCh38, 1-based): chr2:148,510,094-148,510,096, ATT duplicated; duplicating any 3 consecutive bases within chr2:148,510,093-148,510,096 gives the same sequence; the c. name uses the placement nearest the transcript's 3' end. VCF-style (leftmost placement, unchanged base first): chr2-148510092-C-CTAT. GRCh37 (hg19) VCF-style: chr2-149267661-C-CTAT.
Other names: c.4372_4374dup, p.Ile1458_His1459insIle (NM_018328.5).
Identifiers: ClinVar variation 2717280 (VCV002717280.3), dbSNP rs2470171542, ClinGen allele CA2697551100.
Genomic context (GRCh38, chr2:148,510,092, plus strand): 5'-TCTGGTGTGTTGTTTTCATTAATTCCAGAAGTGGAAAGCTAAATAACCATTTAGAAGCTG[C>CTAT]TATTCATGAGGCCATGAGTGAACTGGACAAAATGTCTGGGACTGTAAGTTAATTTATTTT-3'

ClinVar aggregate classification (germline): Uncertain significance (1 of 4 stars; one submission).

Conditions:
Intellectual developmental disorder, autosomal dominant 1. Also called: Intellectual disability, autosomal dominant 1; MBD5 Haploinsufficiency. Identifiers: Orphanet 228402, MedGen C1969562, MONDO:0007974, OMIM 156200.

Submission:

Labcorp Genetics (formerly Invitae), Labcorp
Classification: Uncertain significance for Intellectual developmental disorder, autosomal dominant 1. Last evaluated: 2023-06-16. Review status: criteria provided, single submitter. Criteria: Invitae Variant Classification Sherloc (09022015). Collection method: clinical testing. Allele origin: germline.
Comment: This variant has not been reported in the literature in individuals affected with MBD5-related conditions. In summary, the available evidence is currently insufficient to determine the role of this variant in disease. Therefore, it has been classified as a Variant of Uncertain Significance. This variant is not present in population databases (gnomAD no frequency). This variant, c.4372_4374dup, results in the insertion of 1 amino acid(s) of the MBD5 protein (p.Ile1458dup), but otherwise preserves the integrity of the reading frame.